The following is an entry in ClinVar:

ClinVar aggregate classification (germline): Conflicting classifications of pathogenicity. Review status: criteria provided, conflicting classifications (1 of 4 stars). 4 submissions from 4 submitters: Likely pathogenic (1); Uncertain significance (3). Last evaluated 2026-07-01.

Conditions:
Polycystic kidney disease, adult type (PKD1). Also called: Polycystic Kidney, Autosomal Dominant; POLYCYSTIC KIDNEY DISEASE 1 WITH OR WITHOUT POLYCYSTIC LIVER DISEASE; Polycystic Kidney Disease 1, Autosomal Dominant; Polycystic kidney disease 1; Polycystic kidney disease 1, severe; POLYCYSTIC KIDNEY DISEASE, ADULT, TYPE I. Identifiers: MedGen C3149841, MONDO:0008263, OMIM 173900.

Allele frequency attached by ClinVar (database versions not stated): gnomAD exomes below 0.00001; TOPMed below 0.00001; gnomAD 0.00001.
gnomAD v4.1: 2 of 1,612,170 alleles (0.00012%); highest among the groups gnomAD compares: Non-Finnish European, 0.00017%; no homozygotes.

Submissions (4):

OLLIN Analises Genomicas, OLLIN
Classification: Likely pathogenic for Polycystic kidney disease, adult type. Last evaluated: 2026-07-01. Review status: criteria provided, single submitter. Criteria: ACMG Guidelines, 2015. Collection method: clinical testing. Allele origin: germline. Inheritance: Autosomal dominant inheritance. Affected: yes. Observed: 6 variant alleles, 6 heterozygotes. Clinical features observed: Polycystic kidney disease (HP:0000113).
Comment: This missense variant, located in exon 46 of 46, is present in population databases at a low frequency (0.0001%, gnomAD 4.1.1). To our knowledge, this variant has not been reported in the scientific literature; however, it has been reported in ClinVar in one affected individual (Accession: VCV000586250.5, SCV001998851.2). In our assessment, this variant has been observed to segregate with disease in 6 individuals in a single family. In addition, the diagnostic yield of PKD1 in individuals with a clinical diagnosis of polycystic kidney disease is estimated to be 78% (PMID: 20301424). In silico analysis predicts a tolerated effect (REVEL: 0.22). Based on the currently available evidence, this variant was classified as Likely Pathogenic (PM2_P, PP1_S, PP4, BP4).

Fulgent Genetics
Classification: Uncertain significance for Polycystic kidney disease, adult type. Last evaluated: 2024-03-06. Review status: criteria provided, single submitter. Criteria: ACMG Guidelines, 2015. Collection method: clinical testing. Allele origin: germline.

GeneDx
Classification: Uncertain significance. Last evaluated: 2020-11-18. Review status: criteria provided, single submitter. Criteria: GeneDx Variant Classification Process June 2021. Collection method: clinical testing. Allele origin: germline. Affected: yes.
Comment: Not observed in large population cohorts (Lek et al., 2016); In silico analysis, which includes protein predictors and evolutionary conservation, supports a deleterious effect; Has not been previously published as pathogenic or benign to our knowledge

Athena Diagnostics
Classification: Uncertain significance. Last evaluated: 2019-05-15. Review status: criteria provided, single submitter. Criteria: Athena Diagnostics Criteria. Collection method: clinical testing. Allele origin: germline.

Literature cited by the submitters: PubMed 20301424 (cited by OLLIN Analises Genomicas, OLLIN).

NM_001009944.3(PKD1):c.12697A>C (p.Thr4233Pro)

Gene: PKD1 (polycystin 1, transient receptor potential channel interacting; minus strand). Cytogenetic location: 16p13.3.
Variant type: single nucleotide variant.
Coding change: c.12697A>C on transcript NM_001009944.3 (MANE Select); coding-DNA position 12697, A replaced by C.
Protein change: p.Thr4233Pro; replaces threonine 4233 with proline.
Molecular consequence: missense variant.
Genome position (GRCh38, 1-based): chr16:2,089,942, T>G on the plus strand (A>C on the coding strand, the complement: PKD1 is on the minus strand). VCF-style: chr16-2089942-T-G. GRCh37 (hg19) VCF-style: chr16-2139943-T-G.
Other names: c.12694A>C, p.Thr4232Pro (NM_000296.4); short protein forms T4232P, T4233P.
Identifiers: ClinVar variation 586250 (VCV000586250.6), dbSNP rs1230641065, ClinGen allele CA394320729.